The following is an entry in ClinVar:

NM_000112.4(SLC26A2):c.439G>T (p.Ala147Ser)

Gene: SLC26A2 (solute carrier family 26 member 2; plus strand). Cytogenetic location: 5q32.
Variant type: single nucleotide variant.
Coding change: c.439G>T on transcript NM_000112.4 (MANE Select); coding-DNA position 439, G replaced by T.
Protein change: p.Ala147Ser; replaces alanine 147 with serine.
Molecular consequence: missense variant.
Genome position (GRCh38, 1-based): chr5:149,978,091, G>T. VCF-style: chr5-149978091-G-T. GRCh37 (hg19) VCF-style: chr5-149357654-G-T.
Other names: c.439G>T (NM_000112.3); short protein forms A147S.
Identifiers: ClinVar variation 1155921 (VCV001155921.11), dbSNP rs201012489, ClinGen allele CA3505248.

ClinVar aggregate classification (germline): Conflicting classifications of pathogenicity. Review status: criteria provided, conflicting classifications (1 of 4 stars). 3 submissions from 3 submitters: Uncertain significance (2); Likely benign (1). Last evaluated 2026-01-21.

Conditions:
Achondrogenesis, type IB (ACG1B). Also called: Achondrogenesis Type 1B. Identifiers: Orphanet 932, Orphanet 93298, MedGen C0265274, MONDO:0010966, OMIM 600972.
Diastrophic dysplasia (DTD). Also called: Diastrophic dwarfism. Identifiers: Orphanet 628, MedGen C0220726, MONDO:0009107, OMIM 222600.
Multiple epiphyseal dysplasia type 4 (EDM4). Also called: Multiple Epiphyseal Dysplasia, Recessive; MULTIPLE EPIPHYSEAL DYSPLASIA WITH BILAYERED PATELLAE; MULTIPLE EPIPHYSEAL DYSPLASIA WITH CLUBFOOT; MULTIPLE EPIPHYSEAL DYSPLASIA, AUTOSOMAL RECESSIVE; SLC26A2-Related Multiple Epiphyseal Dysplasia. Identifiers: Orphanet 93307, MedGen C1847593, MONDO:0009189, OMIM 226900.
Atelosteogenesis type II (AO2). Also called: NEONATAL OSSEOUS DYSPLASIA I; SLC26A2-Related Atelosteogenesis; Neonatal osseous dysplasia 1. Identifiers: Orphanet 56304, MedGen C1850554, MONDO:0009727, OMIM 256050.
Inborn genetic diseases. Identifiers: MedGen C0950123, MeSH D030342.

Allele frequency attached by ClinVar (database versions not stated): gnomAD 0.00001 and 0.00002; gnomAD exomes 0.00005 and 0.00010; TOPMed 0.00005; ExAC 0.00009; 1000 Genomes Project 30x 0.00016; 1000 Genomes Project 0.00020.
gnomAD v4.1: 32 of 1,598,100 alleles (0.002%); highest among the groups gnomAD compares: Admixed American, 0.054%; no homozygotes.

Submissions (3):

Labcorp Genetics (formerly Invitae), Labcorp
Classification: Likely benign for Atelosteogenesis type II; Multiple epiphyseal dysplasia type 4; Achondrogenesis, type IB; Diastrophic dysplasia. Last evaluated: 2026-01-21. Review status: criteria provided, single submitter. Criteria: Invitae Variant Classification Sherloc (09022015). Collection method: clinical testing. Allele origin: germline.

Ambry Genetics
Classification: Uncertain significance for Inborn genetic diseases. Last evaluated: 2025-09-26. Review status: criteria provided, single submitter. Criteria: Ambry Variant Classification Scheme 2023. Collection method: clinical testing. Allele origin: germline.

ARUP Laboratories, Molecular Genetics and Genomics, ARUP Laboratories
Classification: Uncertain significance. Last evaluated: 2023-09-12. Review status: criteria provided, single submitter. Criteria: ARUP Molecular Germline Variant Investigation Process 2024. Collection method: clinical testing. Allele origin: germline.
Comment: The SLC26A2 c.439G>T; p.Ala147Ser variant (rs201012489), to our knowledge, is not reported in the medical literature but is reported in ClinVar (Variation ID: 1155921). This variant is found in the Latino/Admixed American population with an allele frequency of 0.077% (25/32,486 alleles) in the Genome Aggregation Database. Computational analyses are uncertain whether this variant is neutral or deleterious (REVEL: 0.506). Due to limited information, the clinical significance of this variant is uncertain at this time.